The following is an entry in ClinVar:

ClinVar aggregate classification (germline): Uncertain significance (1 of 4 stars; one submission).

Submission:

Labcorp Genetics (formerly Invitae), Labcorp
Classification: Uncertain significance. Last evaluated: 2025-07-30. Review status: criteria provided, single submitter. Criteria: Invitae Variant Classification Sherloc (09022015). Collection method: clinical testing. Allele origin: germline.
Comment: This sequence change replaces lysine, which is basic and polar, with arginine, which is basic and polar, at codon 427 of the PACS2 protein (p.Lys427Arg). This variant is not present in population databases (gnomAD no frequency). This variant has not been reported in the literature in individuals affected with PACS2-related conditions. Invitae Evidence Modeling of protein sequence and biophysical properties (such as structural, functional, and spatial information, amino acid conservation, physicochemical variation, residue mobility, and thermodynamic stability) indicates that this missense variant is not expected to disrupt PACS2 protein function with a negative predictive value of 80%. In summary, the available evidence is currently insufficient to determine the role of this variant in disease. Therefore, it has been classified as a Variant of Uncertain Significance.

NM_001100913.3(PACS2):c.1280A>G (p.Lys427Arg)

Gene: PACS2 (phosphofurin acidic cluster sorting protein 2; plus strand). Cytogenetic location: 14q32.33.
Variant type: single nucleotide variant.
Coding change: c.1280A>G on transcript NM_001100913.3 (MANE Select); coding-DNA position 1280, A replaced by G.
Protein change: p.Lys427Arg; replaces lysine 427 with arginine.
Molecular consequence: missense variant.
Genome position (GRCh38, 1-based): chr14:105,381,925, A>G. VCF-style: chr14-105381925-A-G. GRCh37 (hg19) VCF-style: chr14-105848262-A-G.
Other names: c.1055A>G, p.Lys352Arg (NM_001243127.3); c.1280A>G, p.Lys427Arg (NM_015197.4); short protein forms K427R, K352R.
Identifiers: ClinVar variation 4777891 (VCV004777891.1).